The following is an entry in ClinVar:

NM_018979.4(WNK1):c.4187G>A (p.Gly1396Asp)

Gene: WNK1 (WNK lysine deficient protein kinase 1; plus strand). Cytogenetic location: 12p13.33.
Variant type: single nucleotide variant.
Coding change: c.4187G>A on transcript NM_018979.4 (MANE Select); coding-DNA position 4187, G replaced by A.
Protein change: p.Gly1396Asp; replaces glycine 1396 with aspartic acid.
Molecular consequence: missense variant.
Genome position (GRCh38, 1-based): chr12:884,991, G>A. VCF-style: chr12-884991-G-A. GRCh37 (hg19) VCF-style: chr12-994157-G-A.
Other names: c.4967G>A, p.Gly1656Asp (NM_001184985.2); c.3446G>A, p.Gly1149Asp (NM_014823.3); c.4943G>A, p.Gly1648Asp (NM_213655.5); short protein forms G1396D, G1149D, G1656D, G1648D.
Identifiers: ClinVar variation 1959474 (VCV001959474.5), dbSNP rs998039518, ClinGen allele CA231479093.

ClinVar aggregate classification (germline): Uncertain significance (1 of 4 stars; one submission).

Conditions:
Neuropathy, hereditary sensory and autonomic, type 2A (HSAN2A). Also called: HSAN IIA; WNK1-Related HSAN2 (HSAN2A); ACROOSTEOLYSIS, GIACCAI TYPE; ACROOSTEOLYSIS, NEUROGENIC; MORVAN DISEASE; NEUROPATHY, CONGENITAL SENSORY. Identifiers: Orphanet 970, MedGen C2752089, MONDO:0024309, OMIM 201300.
Pseudohypoaldosteronism type 2C (PHA2C). Also called: Pseudohypoaldosteronism Type IIC. Identifiers: Orphanet 757, Orphanet 88940, MedGen C1840391, MONDO:0013778, OMIM 614492.

Submission:

Labcorp Genetics (formerly Invitae), Labcorp
Classification: Uncertain significance for Neuropathy, hereditary sensory and autonomic, type 2A; Pseudohypoaldosteronism type 2C. Last evaluated: 2022-04-11. Review status: criteria provided, single submitter. Criteria: Invitae Variant Classification Sherloc (09022015). Collection method: clinical testing. Allele origin: germline.
Comment: This variant has not been reported in the literature in individuals affected with WNK1-related conditions. This variant is not present in population databases (gnomAD no frequency). This sequence change replaces glycine, which is neutral and non-polar, with aspartic acid, which is acidic and polar, at codon 1648 of the WNK1 protein (p.Gly1648Asp). In summary, the available evidence is currently insufficient to determine the role of this variant in disease. Therefore, it has been classified as a Variant of Uncertain Significance. Advanced modeling of protein sequence and biophysical properties (such as structural, functional, and spatial information, amino acid conservation, physicochemical variation, residue mobility, and thermodynamic stability) performed at Invitae indicates that this missense variant is not expected to disrupt WNK1 protein function.